The following is an entry in ClinVar:

NM_004082.5(DCTN1):c.558G>A (p.Pro186=)

Gene: DCTN1 (dynactin subunit 1; minus strand). Cytogenetic location: 2p13.1.
Variant type: single nucleotide variant.
Coding change: c.558G>A on transcript NM_004082.5 (MANE Select); coding-DNA position 558, G replaced by A.
Protein change: p.Pro186=; no amino-acid change (proline 186 retained).
Molecular consequence: synonymous variant. On other transcripts: non-coding transcript variant (1).
Genome position (GRCh38, 1-based): chr2:74,371,624, C>T on the plus strand (G>A on the coding strand, the complement: DCTN1 is on the minus strand). VCF-style: chr2-74371624-C-T. GRCh37 (hg19) VCF-style: chr2-74598751-C-T.
Other names: c.498G>A, p.Pro166= (NM_001135040.3); c.156G>A, p.Pro52= (NM_001135041.3, NM_023019.4); c.447G>A, p.Pro149= (NM_001190836.2); c.537G>A, p.Pro179= (NM_001190837.2); c.507G>A, p.Pro169= (NM_001378991.1); c.489G>A, p.Pro163= (NM_001378992.1).
Identifiers: ClinVar variation 259240 (VCV000259240.49), dbSNP rs201078804, ClinGen allele CA1722379.

ClinVar aggregate classification (germline): Benign/Likely benign. Review status: criteria provided, multiple submitters, no conflicts (2 of 4 stars). 8 submissions from 7 submitters: Benign (3); Likely benign (5). Last evaluated 2026-03-13.

Conditions:
Perry syndrome. Also called: PARKINSONISM WITH ALVEOLAR HYPOVENTILATION AND MENTAL DEPRESSION. Identifiers: Orphanet 178509, MedGen C1868594, MONDO:0008201, OMIM 168605.
Neuronopathy, distal hereditary motor, type 7B. Also called: HMN VIIB; LOWER MOTOR NEURON DISEASE, DYNACTIN TYPE; Distal Hereditary Motor Neuronopathy Type 7B (dHMN7B); NEURONOPATHY, DISTAL HEREDITARY MOTOR, AUTOSOMAL DOMINANT 14; NEURONOPATHY, DISTAL HEREDITARY MOTOR, HARDING TYPE VIIB; NEUROPATHY, DISTAL HEREDITARY MOTOR, HARDING TYPE VIIB. Identifiers: Orphanet 139589, MedGen C1843315, MONDO:0011879, OMIM 607641.
Amyotrophic lateral sclerosis type 1 (ALS1). Also called: AMYOTROPHIC LATERAL SCLEROSIS 1, FAMILIAL. Identifiers: Orphanet 803, MedGen C1862939, MONDO:0007103, OMIM 105400.
Inborn genetic diseases. Identifiers: MedGen C0950123, MeSH D030342.

Allele frequency attached by ClinVar (database versions not stated): ESP Exome Variant Server 0.00023; gnomAD 0.00028 and 0.00029; gnomAD exomes 0.00032 and 0.00051; TOPMed 0.00037; ExAC 0.00041; 1000 Genomes Project 0.00060; 1000 Genomes Project 30x 0.00062.
gnomAD v4.1: 773 of 1,590,864 alleles (0.049%); highest among the groups gnomAD compares: Non-Finnish European, 0.061%; 1 homozygote.

Submissions (8):

Women's Health and Genetics/Laboratory Corporation of America, LabCorp
Classification: Benign. Last evaluated: 2026-03-13. Review status: criteria provided, single submitter. Criteria: LabCorp Variant Classification Summary - May 2015. Collection method: clinical testing. Allele origin: germline.

Labcorp Genetics (formerly Invitae), Labcorp
Classification: Likely benign for Amyotrophic lateral sclerosis type 1; Neuronopathy, distal hereditary motor, type 7B; Perry syndrome. Last evaluated: 2025-12-29. Review status: criteria provided, single submitter. Criteria: Invitae Variant Classification Sherloc (09022015). Collection method: clinical testing. Allele origin: germline.

CeGaT Center for Human Genetics Tuebingen
Classification: Likely benign. Last evaluated: 2025-10-01. Review status: criteria provided, single submitter. Criteria: CeGaT Center For Human Genetics Tuebingen Variant Classification Criteria Version 2. Collection method: clinical testing. Allele origin: germline. Affected: yes. Observed: 2 variant alleles.
Comment: DCTN1: BP4, BP7

ARUP Laboratories, Molecular Genetics and Genomics, ARUP Laboratories
Classification: Likely benign. Last evaluated: 2025-02-13. Review status: criteria provided, single submitter. Criteria: ARUP Molecular Germline Variant Investigation Process 2024. Collection method: clinical testing. Allele origin: germline.

Ambry Genetics
Classification: Likely benign for Inborn genetic diseases. Last evaluated: 2019-07-11. Review status: criteria provided, single submitter. Criteria: Ambry Variant Classification Scheme 2023. Collection method: clinical testing. Allele origin: germline.

Illumina Laboratory Services, Illumina
Classification: Benign for Perry syndrome. Last evaluated: 2018-03-06. Review status: criteria provided, single submitter. Criteria: ICSL Variant Classification Criteria 13 December 2019. Collection method: clinical testing. Allele origin: germline.
Comment: This variant was observed in the ICSL laboratory as part of a predisposition screen in an ostensibly healthy population. It had not been previously curated by ICSL or reported in the Human Gene Mutation Database (HGMD: prior to June 1st, 2018), and was therefore a candidate for classification through an automated scoring system. Utilizing variant allele frequency, disease prevalence and penetrance estimates, and inheritance mode, an automated score was calculated to assess if this variant is too frequent to cause the disease. Based on the score and internal cut-off values, a variant classified as benign is not then subjected to further curation. The score for this variant resulted in a classification of benign for this disease.

Illumina Laboratory Services, Illumina
Classification: Benign for Neuronopathy, distal hereditary motor, type 7B. Last evaluated: 2018-03-06. Review status: criteria provided, single submitter. Criteria: ICSL Variant Classification Criteria 13 December 2019. Collection method: clinical testing. Allele origin: germline.
Comment: the same text as in the submission from Illumina Laboratory Services, Illumina above.

PreventionGenetics, part of Exact Sciences
Classification: Likely benign. Review status: criteria provided, single submitter. Criteria: ACMG Guidelines, 2015. Collection method: clinical testing. Allele origin: germline.